The following is an entry in ClinVar:

ClinVar aggregate classification (germline): Uncertain significance (0 of 4 stars; one submission).

Conditions:
Fanconi anemia complementation group A (FANCA). Also called: Fanconi anemia, group A; FANCA-Related Fanconi Anemia. Identifiers: Orphanet 84, MedGen C3469521, MONDO:0009215, OMIM 227650.

Submission:

Leiden Open Variation Database
Classification: Uncertain significance for Fanconi anemia complementation group A. Last evaluated: 2020-02-28. Review status: no assertion criteria provided. Collection method: curation. Allele origin: germline. Affected: yes.
Comment: Curator: Arleen D. Auerbach. Submitter to LOVD: Arleen D. Auerbach.

NC_000016.10:g.(89779004_89779868)_(89799639_89803258)del

Gene: FANCA (FA complementation group A; minus strand). Cytogenetic location: 16q24.3.
Variant type: Deletion.
Identifiers: ClinVar variation 974101 (VCV000974101.1).